The following is an entry in ClinVar:

ClinVar aggregate classification (germline): Uncertain significance (1 of 4 stars; one submission).

Conditions:
Inborn genetic diseases. Identifiers: MedGen C0950123, MeSH D030342.

Submission:

Ambry Genetics
Classification: Uncertain significance for Inborn genetic diseases. Last evaluated: 2024-01-29. Review status: criteria provided, single submitter. Criteria: Ambry Variant Classification Scheme 2023. Collection method: clinical testing. Allele origin: germline.
Comment: The p.K2509E variant (also known as c.7525A>G), located in coding exon 51 of the LRRK2 gene, results from an A to G substitution at nucleotide position 7525. The lysine at codon 2509 is replaced by glutamic acid, an amino acid with similar properties. This amino acid position is conserved. In addition, the in silico prediction for this alteration is inconclusive. Based on the available evidence, the clinical significance of this alteration remains unclear.

NM_198578.4(LRRK2):c.7525A>G (p.Lys2509Glu)

Gene: LRRK2 (leucine rich repeat kinase 2; plus strand). Cytogenetic location: 12q12.
Variant type: single nucleotide variant.
Coding change: c.7525A>G on transcript NM_198578.4 (MANE Select); coding-DNA position 7525, A replaced by G.
Protein change: p.Lys2509Glu; replaces lysine 2509 with glutamic acid.
Molecular consequence: missense variant.
Genome position (GRCh38, 1-based): chr12:40,367,706, A>G. VCF-style: chr12-40367706-A-G. GRCh37 (hg19) VCF-style: chr12-40761508-A-G.
Other names: short protein forms K2509E.
Identifiers: ClinVar variation 3229796 (VCV003229796.1), dbSNP rs2500066134, ClinGen allele CA384416156.